The following is an entry in ClinVar:

NM_001365276.2(TNXB):c.3604G>A (p.Val1202Met)

Gene: TNXB (tenascin XB; minus strand). Cytogenetic location: 6p21.33.
Variant type: single nucleotide variant.
Coding change: c.3604G>A on transcript NM_001365276.2 (MANE Select); coding-DNA position 3604, G replaced by A.
Protein change: p.Val1202Met; replaces valine 1202 with methionine.
Molecular consequence: missense variant.
Genome position (GRCh38, 1-based): chr6:32,082,168, C>T on the plus strand (G>A on the coding strand, the complement: TNXB is on the minus strand). VCF-style: chr6-32082168-C-T. GRCh37 (hg19) VCF-style: chr6-32049945-C-T.
Other names: c.3604G>A, p.Val1202Met (NM_019105.8); short protein forms V1202M.
Identifiers: ClinVar variation 1733140 (VCV001733140.3), dbSNP rs777320430, ClinGen allele CA3735151.

ClinVar aggregate classification (germline): Uncertain significance (1 of 4 stars; one submission).

Conditions:
Cardiovascular phenotype. Identifiers: MedGen CN230736.

Allele frequency attached by ClinVar (database versions not stated): ExAC 0.00001; gnomAD exomes 0.00001.
gnomAD v4.1: 9 of 1,612,618 alleles (0.00056%); highest among the groups gnomAD compares: Non-Finnish European, 0.00076%; no homozygotes.

Submission:

Ambry Genetics
Classification: Uncertain significance for Cardiovascular phenotype. Last evaluated: 2025-03-31. Review status: criteria provided, single submitter. Criteria: Ambry Variant Classification Scheme 2023. Collection method: clinical testing. Allele origin: germline.
Comment: The p.V1202M variant (also known as c.3604G>A), located in coding exon 8 of the TNXB gene, results from a G to A substitution at nucleotide position 3604. The valine at codon 1202 is replaced by methionine, an amino acid with highly similar properties. This amino acid position is conserved. In addition, this alteration is predicted to be tolerated by in silico analysis. Since supporting evidence is limited at this time, the clinical significance of this alteration remains unclear.